The following is an entry in ClinVar:

NM_000431.4(MVK):c.774A>C (p.Pro258=)

Gene: MVK (mevalonate kinase; plus strand). Cytogenetic location: 12q24.11.
Variant type: single nucleotide variant.
Coding change: c.774A>C on transcript NM_000431.4 (MANE Select); coding-DNA position 774, A replaced by C.
Protein change: p.Pro258=; no amino-acid change (proline 258 retained).
Molecular consequence: synonymous variant. On other transcripts: non-coding transcript variant (4).
Genome position (GRCh38, 1-based): chr12:109,591,246, A>C. VCF-style: chr12-109591246-A-C. GRCh37 (hg19) VCF-style: chr12-110029051-A-C.
Other names: c.774A>C, p.Pro258= (NM_001114185.3, NM_001414511.1, NM_001414513.1); c.618A>C, p.Pro206= (NM_001301182.2, NM_001414514.1); c.849A>C, p.Pro283= (NM_001414512.1); c.192A>C, p.Pro64= (NM_001414515.1).
Identifiers: ClinVar variation 2643280 (VCV002643280.24), dbSNP rs772042724, ClinGen allele CA481714856.

ClinVar aggregate classification (germline): Likely benign (1 of 4 stars; one submission).

Submission:

CeGaT Center for Human Genetics Tuebingen
Classification: Likely benign. Last evaluated: 2023-10-01. Review status: criteria provided, single submitter. Criteria: CeGaT Center For Human Genetics Tuebingen Variant Classification Criteria Version 2. Collection method: clinical testing. Allele origin: germline. Affected: yes. Observed: 1 variant allele.
Comment: MVK: PM2:Supporting, BP4, BP7